The following is an entry in ClinVar:

ClinVar aggregate classification (germline): Pathogenic. Review status: criteria provided, multiple submitters, no conflicts (2 of 4 stars). 4 submissions from 4 submitters: Pathogenic (4). Last evaluated 2026-04-23.

Conditions:
Bloom syndrome (BLM). Also called: Bloom-Torre-Machacek syndrome. Identifiers: Orphanet 125, MedGen C0005859, MONDO:0008876, OMIM 210900.
Hereditary cancer-predisposing syndrome. Also called: Neoplastic Syndromes, Hereditary; Hereditary Cancer Syndrome; Tumor predisposition; Hereditary neoplastic syndrome. Identifiers: Orphanet 140162, MedGen C0027672, MeSH D009386, MONDO:0015356.

Submissions (4):

Myriad Genetics, Inc.
Classification: Pathogenic for Bloom syndrome. Last evaluated: 2026-04-23. Review status: criteria provided, single submitter. Criteria: Myriad Autosomal Dominant, Autosomal Recessive and X-Linked Classification Criteria (2023). Collection method: clinical testing. Allele origin: unknown.
Comment: NM_000057.3(BLM):c.1341delG(N448Ifs*3) is a frameshift variant classified as pathogenic in the context of Bloom syndrome. N448Ifs*3 has not been observed in cases with relevant disease. Relevant functional assessments of this variant are not available in the literature. N448Ifs*3 has not been observed in referenced population frequency databases. In summary, NM_000057.3(BLM):c.1341delG(N448Ifs*3) is a frameshift variant in a gene where loss of function is a known mechanism of disease and is predicted to disrupt protein function. Please note: this variant was assessed in the context of healthy population screening.

Labcorp Genetics (formerly Invitae), Labcorp
Classification: Pathogenic for Bloom syndrome. Last evaluated: 2025-06-01. Review status: criteria provided, single submitter. Criteria: Invitae Variant Classification Sherloc (09022015). Collection method: clinical testing. Allele origin: germline.
Comment: This sequence change creates a premature translational stop signal (p.Asn448Ilefs*3) in the BLM gene. It is expected to result in an absent or disrupted protein product. Loss-of-function variants in BLM are known to be pathogenic (PMID: 17407155). This variant is not present in population databases (gnomAD no frequency). This variant has not been reported in the literature in individuals affected with BLM-related conditions. ClinVar contains an entry for this variant (Variation ID: 1324491). For these reasons, this variant has been classified as Pathogenic.

Ambry Genetics
Classification: Pathogenic for Hereditary cancer-predisposing syndrome. Last evaluated: 2024-02-28. Review status: criteria provided, single submitter. Criteria: Ambry Variant Classification Scheme 2023. Collection method: clinical testing. Allele origin: germline.
Comment: The c.1341delG pathogenic mutation, located in coding exon 6 of the BLM gene, results from a deletion of one nucleotide at nucleotide position 1341, causing a translational frameshift with a predicted alternate stop codon (p.N448Ifs*3). This variant is considered to be rare based on population cohorts in the Genome Aggregation Database (gnomAD). This alteration is expected to result in loss of function by premature protein truncation or nonsense-mediated mRNA decay. As such, this alteration is interpreted as a disease-causing mutation.

Revvity Omics, Revvity
Classification: Pathogenic for Bloom syndrome. Last evaluated: 2019-07-01. Review status: criteria provided, single submitter. Criteria: ACMG Guidelines, 2015. Collection method: clinical testing. Allele origin: germline.

Literature cited by the submitters: PubMed 17407155 (cited by Labcorp Genetics (formerly Invitae), Labcorp).

NM_000057.4(BLM):c.1341del (p.Asn448fs)

Gene: BLM (BLM RecQ like helicase; plus strand). Cytogenetic location: 15q26.1.
Variant type: Deletion.
Coding change: c.1341del on transcript NM_000057.4 (MANE Select); coding-DNA position 1341, one base deleted (G; older notation c.1341delG).
Protein change: p.Asn448fs; shifts the reading frame from asparagine 448.
Molecular consequence: frameshift variant.
Genome position (GRCh38, 1-based): chr15:90,760,714, G deleted; the last of 3 consecutive G bases (chr15:90,760,712-90,760,714); deleting any one gives the same sequence. VCF-style (leftmost placement, unchanged base first): chr15-90760711-AG-A. GRCh37 (hg19) VCF-style: chr15-91303941-AG-A.
Other names: c.1341delG (NM_000057.2); c.1341del, p.Asn448fs (NM_001287246.2, NM_001287247.2); c.216del, p.Asn73fs (NM_001287248.2); short protein forms N448fs, N73fs.
Identifiers: ClinVar variation 1324491 (VCV001324491.10), dbSNP rs2151158046, ClinGen allele CA2573054120.